The following is an entry in ClinVar:

NC_000010.10:g.(?_86004847)_(86018395_?)dup

Gene: RGR (retinal G protein coupled receptor; plus strand). Cytogenetic location: 10q23.1.
Variant type: Duplication.
Identifiers: ClinVar variation 1003196 (VCV001003196.2).

ClinVar aggregate classification (germline): Uncertain significance (1 of 4 stars; one submission).

Submission:

Labcorp Genetics (formerly Invitae), Labcorp
Classification: Uncertain significance. Last evaluated: 2022-06-17. Review status: criteria provided, single submitter. Criteria: Invitae Variant Classification Sherloc (09022015). Collection method: clinical testing. Allele origin: germline.
Comment: A copy number gain of the genomic region encompassing the full coding sequence of the RGR gene has been identified. The boundaries of this event are unknown as they extend beyond the assayed region for this gene and therefore may encompass additional genes. As the precise location of this event is unknown, it may be in tandem or it may be located elsewhere in the genome. This variant has not been reported in the literature in individuals affected with RGR-related conditions. Experimental studies and prediction algorithms are not available or were not evaluated, and the functional significance of this variant is currently unknown. In summary, the available evidence is currently insufficient to determine the role of this variant in disease. Therefore, it has been classified as a Variant of Uncertain Significance.